The following is an entry in ClinVar:

NM_017636.4(TRPM4):c.977C>T (p.Ala326Val)

Gene: TRPM4 (transient receptor potential cation channel subfamily M member 4; plus strand). Cytogenetic location: 19q13.33.
Variant type: single nucleotide variant.
Coding change: c.977C>T on transcript NM_017636.4 (MANE Select); coding-DNA position 977, C replaced by T.
Protein change: p.Ala326Val; replaces alanine 326 with valine.
Molecular consequence: missense variant. On other transcripts: 5 prime UTR variant (1).
Genome position (GRCh38, 1-based): chr19:49,171,696, C>T. VCF-style: chr19-49171696-C-T. GRCh37 (hg19) VCF-style: chr19-49674953-C-T.
Other names: c.977C>T, p.Ala326Val (NM_001195227.2); c.632C>T, p.Ala211Val (NM_001321281.2); c.-577C>T (NM_001321282.2); c.455C>T, p.Ala152Val (NM_001321283.2); c.128C>T, p.Ala43Val (NM_001321285.2); short protein forms A326V, A43V, A152V, A211V.
Identifiers: ClinVar variation 2448588 (VCV002448588.2), dbSNP rs1967464535, ClinGen allele CA406794218.

ClinVar aggregate classification (germline): Uncertain significance (1 of 4 stars; one submission).

Conditions:
Cardiovascular phenotype. Identifiers: MedGen CN230736.

Submission:

Ambry Genetics
Classification: Uncertain significance for Cardiovascular phenotype. Last evaluated: 2023-01-20. Review status: criteria provided, single submitter. Criteria: Ambry Variant Classification Scheme 2023. Collection method: clinical testing. Allele origin: germline.
Comment: The p.A326V variant (also known as c.977C>T), located in coding exon 8 of the TRPM4 gene, results from a C to T substitution at nucleotide position 977. The alanine at codon 326 is replaced by valine, an amino acid with similar properties. This amino acid position is conserved. In addition, this alteration is predicted to be tolerated by in silico analysis. Since supporting evidence is limited at this time, the clinical significance of this alteration remains unclear.